The following is an entry in ClinVar:

NM_014921.5(ADGRL1):c.3322C>T (p.Arg1108Cys)

Genes: ADGRL1 (adhesion G protein-coupled receptor L1; minus strand), ADGRL1-AS1 (ADGRL1 antisense RNA 1; plus strand). Cytogenetic location: 19p13.12.
Variant type: single nucleotide variant.
Coding change: c.3322C>T on transcript NM_014921.5 (MANE Select); coding-DNA position 3322, C replaced by T.
Protein change: p.Arg1108Cys; replaces arginine 1108 with cysteine.
Molecular consequence: missense variant.
Genome position (GRCh38, 1-based): chr19:14,152,885, G>A on the plus strand (C>T on the coding strand, the complement: ADGRL1 is on the minus strand). VCF-style: chr19-14152885-G-A. GRCh37 (hg19) VCF-style: chr19-14263697-G-A.
Other names: c.3337C>T, p.Arg1113Cys (NM_001008701.3); short protein forms R1108C, R1113C.
Identifiers: ClinVar variation 4823734 (VCV004823734.4).

ClinVar aggregate classification (germline): Uncertain significance (1 of 4 stars; one submission).

gnomAD v4.1: 2 of 1,613,978 alleles (0.00012%); highest among the groups gnomAD compares: Non-Finnish European, 0.00017%; no homozygotes.

Submission:

CeGaT Center for Human Genetics Tuebingen
Classification: Uncertain significance. Last evaluated: 2026-03-01. Review status: criteria provided, single submitter. Criteria: CeGaT Center For Human Genetics Tuebingen Variant Classification Criteria Version 2. Collection method: clinical testing. Allele origin: germline. Affected: yes. Observed: 1 variant allele.
Comment: ADGRL1: PM2:Supporting